The following is an entry in ClinVar:

NM_000330.4(RS1):c.621C>T (p.His207=)

Genes: CDKL5 (cyclin dependent kinase like 5; plus strand), RS1 (retinoschisin 1; minus strand). Cytogenetic location: Xp22.13.
Variant type: single nucleotide variant.
Coding change: c.621C>T on transcript NM_000330.4 (MANE Select); coding-DNA position 621, C replaced by T.
Protein change: p.His207=; no amino-acid change (histidine 207 retained).
Molecular consequence: synonymous variant. On other transcripts: intron variant (2).
Genome position (GRCh38, 1-based): chrX:18,642,058, G>A on the plus strand (C>T on the coding strand, the complement: RS1 is on the minus strand). VCF-style: chrX-18642058-G-A. GRCh37 (hg19) VCF-style: chrX-18660178-G-A.
Other names: c.2714-3949G>A (NM_003159.3, NM_001037343.2).
Identifiers: ClinVar variation 1144102 (VCV001144102.32), dbSNP rs281865360, ClinGen allele CA515473560.
Genomic context (GRCh38, chrX:18,642,058, plus strand): 5'-CAGGCATCAGGCACACTTGCTGACGCACTCCAGCAGCTCCATCCGGATGGCAATGCGGAC[G>A]TGCCAGCCCAGCGGGATGAGGCGGATGAAGCGGGAGATGATGGGGGGCCGCAGCAGGTTC-3'
Protein context (NP_000321.1, residues 197-217): RFIRLIPLGW[His207=]VRIAIRMELL

ClinVar aggregate classification (germline): Likely benign. Review status: criteria provided, multiple submitters, no conflicts (2 of 4 stars). 3 submissions from 3 submitters: Likely benign (3). Last evaluated 2025-09-10.

Allele frequency attached by ClinVar (database versions not stated): gnomAD 0.00001; TOPMed 0.00002.
gnomAD v4.1: 5 of 1,209,755 alleles (0.00041%); highest among the groups gnomAD compares: Middle Eastern, 0.023%; no homozygotes.

Submissions (3):

Labcorp Genetics (formerly Invitae), Labcorp
Classification: Likely benign. Last evaluated: 2025-09-10. Review status: criteria provided, single submitter. Criteria: Invitae Variant Classification Sherloc (09022015). Collection method: clinical testing. Allele origin: germline.

Blueprint Genetics
Classification: Likely benign. Last evaluated: 2024-01-15. Review status: criteria provided, single submitter. Criteria: ACMG Guidelines, 2015. Collection method: clinical testing. Allele origin: germline.

CeGaT Center for Human Genetics Tuebingen
Classification: Likely benign. Last evaluated: 2022-10-01. Review status: criteria provided, single submitter. Criteria: CeGaT Center For Human Genetics Tuebingen Variant Classification Criteria Version 2. Collection method: clinical testing. Allele origin: germline. Affected: yes. Observed: 1 variant allele.
Comment: RS1: BP4, BP7